The following is an entry in ClinVar:

NM_001845.6(COL4A1):c.2493C>T (p.Pro831=)

Gene: COL4A1 (collagen type IV alpha 1 chain; minus strand). Cytogenetic location: 13q34.
Variant type: single nucleotide variant.
Coding change: c.2493C>T on transcript NM_001845.6 (MANE Select); coding-DNA position 2493, C replaced by T.
Protein change: p.Pro831=; no amino-acid change (proline 831 retained).
Molecular consequence: synonymous variant.
Genome position (GRCh38, 1-based): chr13:110,178,197, G>A on the plus strand (C>T on the coding strand, the complement: COL4A1 is on the minus strand). VCF-style: chr13-110178197-G-A. GRCh37 (hg19) VCF-style: chr13-110830544-G-A.
Other names: c.2493C>T (NM_001845.4, NM_001845.5).
Identifiers: ClinVar variation 1176975 (VCV001176975.43), dbSNP rs764995559, ClinGen allele CA7047573.
Genomic context (GRCh38, chr13:110,178,197, plus strand): 5'-AGGGAGTCCTTGAGCCCCTTTATCTCCTTTAGGGCCCGGCATGTCCAGTCCAGGGAATCC[G>A]GGGAAACCCTTCTCTCCTTTTATTCCAGGAGGGCCTGCAGTTGGGTGAAACACAAATAAC-3'
Protein context (NP_001836.3, residues 821-841): PPGIKGEKGF[Pro831=]GFPGLDMPGP

ClinVar aggregate classification (germline): Likely benign. Review status: criteria provided, multiple submitters, no conflicts (2 of 4 stars). 5 submissions from 5 submitters: Likely benign (5). Last evaluated 2026-03-09.

Conditions:
COL4A1-related disorder. Also called: COL4A1-related disorders; COL4A1-related condition. Identifiers: MedGen CN376119, MONDO:0800461.
Inborn genetic diseases. Identifiers: MedGen C0950123, MeSH D030342.

Allele frequency attached by ClinVar (database versions not stated): ExAC 0.00001; TOPMed 0.00002.

Submissions (5):

Women's Health and Genetics/Laboratory Corporation of America, LabCorp
Classification: Likely benign. Last evaluated: 2026-03-09. Review status: criteria provided, single submitter. Criteria: LabCorp Variant Classification Summary - May 2015. Collection method: clinical testing. Allele origin: germline.

PreventionGenetics, part of Exact Sciences
Classification: Likely benign for COL4A1-related condition. Last evaluated: 2025-12-23. Review status: criteria provided, single submitter. Criteria: ACMG Guidelines, 2015. Collection method: clinical testing. Allele origin: germline.
Comment: This variant is classified as likely benign based on ACMG/AMP sequence variant interpretation guidelines (Richards et al. 2015 PMID: 25741868, with internal and published modifications).

Ambry Genetics
Classification: Likely benign for Inborn genetic diseases. Last evaluated: 2025-10-18. Review status: criteria provided, single submitter. Criteria: Ambry Variant Classification Scheme 2023. Collection method: clinical testing. Allele origin: germline.

Labcorp Genetics (formerly Invitae), Labcorp
Classification: Likely benign. Last evaluated: 2025-09-02. Review status: criteria provided, single submitter. Criteria: Invitae Variant Classification Sherloc (09022015). Collection method: clinical testing. Allele origin: germline.

CeGaT Center for Human Genetics Tuebingen
Classification: Likely benign. Last evaluated: 2021-03-01. Review status: criteria provided, single submitter. Criteria: CeGaT Center For Human Genetics Tuebingen Variant Classification Criteria Version 2. Collection method: clinical testing. Allele origin: germline. Affected: yes. Observed: 1 variant allele.